The following is an entry in ClinVar:

ClinVar aggregate classification (germline): Uncertain significance (1 of 4 stars; one submission).

Conditions:
Encephalopathy, acute, infection-induced (herpes-specific), susceptibility to, 6. Also called: Herpes simplex encephalitis, susceptibility to, 4. Identifiers: Orphanet 1930, MedGen C3553869, MONDO:0013921, OMIM 614850.

Allele frequency attached by ClinVar (database versions not stated): TOPMed 0.00001; ExAC 0.00003; gnomAD exomes 0.00001.
gnomAD v4.1: 6 of 1,608,808 alleles (0.00037%); highest among the groups gnomAD compares: Non-Finnish European, 0.00042%; no homozygotes.

Submission:

Labcorp Genetics (formerly Invitae), Labcorp
Classification: Uncertain significance for Encephalopathy, acute, infection-induced (herpes-specific), susceptibility to, 6. Last evaluated: 2022-09-07. Review status: criteria provided, single submitter. Criteria: Invitae Variant Classification Sherloc (09022015). Collection method: clinical testing. Allele origin: germline.
Comment: This sequence change replaces serine, which is neutral and polar, with leucine, which is neutral and non-polar, at codon 112 of the TICAM1 protein (p.Ser112Leu). This variant is present in population databases (rs749264598, gnomAD 0.003%). This variant has not been reported in the literature in individuals affected with TICAM1-related conditions. Algorithms developed to predict the effect of missense changes on protein structure and function (SIFT, PolyPhen-2, Align-GVGD) all suggest that this variant is likely to be tolerated. In summary, the available evidence is currently insufficient to determine the role of this variant in disease. Therefore, it has been classified as a Variant of Uncertain Significance.

NM_182919.4(TICAM1):c.335C>T (p.Ser112Leu)

Gene: TICAM1 (TIR domain containing adaptor molecule 1; minus strand). Cytogenetic location: 19p13.3.
Variant type: single nucleotide variant.
Coding change: c.335C>T on transcript NM_182919.4 (MANE Select); coding-DNA position 335, C replaced by T.
Protein change: p.Ser112Leu; replaces serine 112 with leucine.
Molecular consequence: missense variant. On other transcripts: intron variant (1).
Genome position (GRCh38, 1-based): chr19:4,818,043, G>A on the plus strand (C>T on the coding strand, the complement: TICAM1 is on the minus strand). VCF-style: chr19-4818043-G-A. GRCh37 (hg19) VCF-style: chr19-4818055-G-A.
Other names: c.293C>T, p.Ser98Leu (NM_001385678.1); c.200C>T, p.Ser67Leu (NM_001385679.1); c.-71-237C>T (NM_001385680.1); short protein forms S67L, S98L, S112L.
Identifiers: ClinVar variation 1912165 (VCV001912165.2), dbSNP rs749264598, ClinGen allele CA9105382.